The following is an entry in ClinVar:

NM_001369.3(DNAH5):c.1628delinsCGACTAAT (p.Gln543fs)

Gene: DNAH5 (dynein axonemal heavy chain 5; minus strand). Cytogenetic location: 5p15.2.
Variant type: Indel.
Coding change: c.1628delinsCGACTAAT on transcript NM_001369.3 (MANE Select); coding-DNA position 1628, A replaced by CGACTAAT.
Protein change: p.Gln543fs; shifts the reading frame from glutamine 543.
Molecular consequence: frameshift variant.
Genome position (GRCh38, 1-based): chr5:13,911,402, T replaced by ATTAGTCG on the plus strand (A replaced by CGACTAAT on the coding strand, the reverse complement: DNAH5 is on the minus strand). VCF-style: chr5-13911402-T-ATTAGTCG. GRCh37 (hg19) VCF-style: chr5-13911511-T-ATTAGTCG.
Other names: short protein forms Q543fs.
Identifiers: ClinVar variation 5016088 (VCV005016088.1).

ClinVar aggregate classification (germline): Pathogenic (1 of 4 stars; one submission).

Conditions:
Primary ciliary dyskinesia 3. Identifiers: Orphanet 244, MedGen C1837618, MONDO:0012085, OMIM 608644.

Submission:

Myriad Genetics, Inc.
Classification: Pathogenic for Primary ciliary dyskinesia 3. Last evaluated: 2026-06-28. Review status: criteria provided, single submitter. Criteria: Myriad Autosomal Dominant, Autosomal Recessive and X-Linked Classification Criteria (2023). Collection method: clinical testing. Allele origin: unknown.
Comment: NM_001369.2(DNAH5):c.1628del1ins8(Q543Pfs*5) is expected to be pathogenic in the context of primary ciliary dyskinesia, DNAH5-related. This variant is predicted to lead to an abnormal or absent protein product due to the creation of a premature termination codon in DNAH5, a gene where loss-of-function variants are known to be pathogenic. Please note: this variant was assessed in the context of healthy population screening.